The following continues an entry in ClinVar:

NM_022356.4(P3H1):c.2055+17C>T

Gene: P3H1. ClinVar aggregate classification (germline): Benign. Benign (5).

Submissions 105 to 119 of 119:

Dr. Peter K. Rogan Lab, Western University
No classification provided (evidence only). Condition: Uveal melanoma. Review status: no classification provided. Collection method: in vitro. Allele origin: not applicable. Functional consequence: retained intron. Not counted in ClinVar's aggregate classification.

Dr. Peter K. Rogan Lab, Western University
No classification provided (evidence only). Condition: Uveal melanoma. Review status: no classification provided. Collection method: in vitro. Allele origin: not applicable. Functional consequence: retained intron. Not counted in ClinVar's aggregate classification.

Dr. Peter K. Rogan Lab, Western University
No classification provided (evidence only). Condition: Uveal melanoma. Review status: no classification provided. Collection method: in vitro. Allele origin: not applicable. Functional consequence: retained intron. Not counted in ClinVar's aggregate classification.

Dr. Peter K. Rogan Lab, Western University
No classification provided (evidence only). Condition: Malignant tumor of esophagus. Review status: no classification provided. Collection method: in vitro. Allele origin: not applicable. Functional consequence: retained intron. Not counted in ClinVar's aggregate classification.

Dr. Peter K. Rogan Lab, Western University
No classification provided (evidence only). Condition: Malignant tumor of esophagus. Review status: no classification provided. Collection method: in vitro. Allele origin: not applicable. Functional consequence: retained intron. Not counted in ClinVar's aggregate classification.

Dr. Peter K. Rogan Lab, Western University
No classification provided (evidence only). Condition: Malignant tumor of esophagus. Review status: no classification provided. Collection method: in vitro. Allele origin: not applicable. Functional consequence: retained intron. Not counted in ClinVar's aggregate classification.

Dr. Peter K. Rogan Lab, Western University
No classification provided (evidence only). Condition: Malignant tumor of esophagus. Review status: no classification provided. Collection method: in vitro. Allele origin: not applicable. Functional consequence: retained intron. Not counted in ClinVar's aggregate classification.

Dr. Peter K. Rogan Lab, Western University
No classification provided (evidence only). Condition: Malignant tumor of esophagus. Review status: no classification provided. Collection method: in vitro. Allele origin: not applicable. Functional consequence: retained intron. Not counted in ClinVar's aggregate classification.

Dr. Peter K. Rogan Lab, Western University
No classification provided (evidence only). Condition: Malignant tumor of esophagus. Review status: no classification provided. Collection method: in vitro. Allele origin: not applicable. Functional consequence: retained intron. Not counted in ClinVar's aggregate classification.

Dr. Peter K. Rogan Lab, Western University
No classification provided (evidence only). Condition: Malignant tumor of esophagus. Review status: no classification provided. Collection method: in vitro. Allele origin: not applicable. Functional consequence: retained intron. Not counted in ClinVar's aggregate classification.

Dr. Peter K. Rogan Lab, Western University
No classification provided (evidence only). Condition: Malignant tumor of esophagus. Review status: no classification provided. Collection method: in vitro. Allele origin: not applicable. Functional consequence: retained intron. Not counted in ClinVar's aggregate classification.

Dr. Peter K. Rogan Lab, Western University
No classification provided (evidence only). Condition: Malignant tumor of esophagus. Review status: no classification provided. Collection method: in vitro. Allele origin: not applicable. Functional consequence: retained intron. Not counted in ClinVar's aggregate classification.

Dr. Peter K. Rogan Lab, Western University
No classification provided (evidence only). Condition: Malignant tumor of esophagus. Review status: no classification provided. Collection method: in vitro. Allele origin: not applicable. Functional consequence: retained intron. Not counted in ClinVar's aggregate classification.

Dr. Peter K. Rogan Lab, Western University
No classification provided (evidence only). Condition: Malignant tumor of esophagus. Review status: no classification provided. Collection method: in vitro. Allele origin: not applicable. Functional consequence: retained intron. Not counted in ClinVar's aggregate classification.

Dr. Peter K. Rogan Lab, Western University
No classification provided (evidence only). Condition: Chronic lymphocytic leukemia/small lymphocytic lymphoma. Review status: no classification provided. Collection method: in vitro. Allele origin: not applicable. Functional consequence: skipped exon, retained intron. Not counted in ClinVar's aggregate classification.